The following is an entry in ClinVar:

ClinVar aggregate classification (germline): Likely benign. Review status: criteria provided, multiple submitters, no conflicts (2 of 4 stars). 2 submissions from 2 submitters: Likely benign (2). Last evaluated 2022-06-20.

Allele frequency attached by ClinVar (database versions not stated): gnomAD exomes below 0.00001 and 0.00001; TOPMed below 0.00001; gnomAD 0.00001.
gnomAD v4.1: 6 of 1,613,528 alleles (0.00037%); highest among the groups gnomAD compares: African/African-American, 0.0067%; no homozygotes.

Submissions (2):

Labcorp Genetics (formerly Invitae), Labcorp
Classification: Likely benign. Last evaluated: 2022-06-20. Review status: criteria provided, single submitter. Criteria: Invitae Variant Classification Sherloc (09022015). Collection method: clinical testing. Allele origin: germline.

GeneDx
Classification: Likely benign. Last evaluated: 2017-05-22. Review status: criteria provided, single submitter. Criteria: GeneDx Variant Classification (06012015). Collection method: clinical testing. Allele origin: germline. Affected: yes.
Comment: This variant is considered likely benign or benign based on one or more of the following criteria: it is a conservative change, it occurs at a poorly conserved position in the protein, it is predicted to be benign by multiple in silico algorithms, and/or has population frequency not consistent with disease.

NM_000430.4(PAFAH1B1):c.400-13G>A

Gene: PAFAH1B1 (platelet activating factor acetylhydrolase 1b regulatory subunit 1; plus strand). Cytogenetic location: 17p13.3.
Variant type: single nucleotide variant.
Coding change: c.400-13G>A on transcript NM_000430.4 (MANE Select); 13 bases into the intron before coding-DNA position 400, G replaced by A.
Molecular consequence: intron variant.
Genome position (GRCh38, 1-based): chr17:2,670,150, G>A. VCF-style: chr17-2670150-G-A. GRCh37 (hg19) VCF-style: chr17-2573444-G-A.
Identifiers: ClinVar variation 509488 (VCV000509488.8), dbSNP rs1346378389, ClinGen allele CA624849758.